The following is an entry in ClinVar:

ClinVar aggregate classification (germline): Uncertain significance (1 of 4 stars; one submission).

Conditions:
Combined immunodeficiency due to DOCK8 deficiency (HIES2). Also called: DOCK8 Deficiency; HIES autosomal recessive; Hyper-IgE recurrent infection syndrome, autosomal recessive; HYPER-IgE SYNDROME 2, AUTOSOMAL RECESSIVE, WITH RECURRENT INFECTIONS; HYPER-IgE RECURRENT INFECTION SYNDROME 2, AUTOSOMAL RECESSIVE. Identifiers: Orphanet 217390, MedGen C4722305, MONDO:0009478, OMIM 243700.

gnomAD v4.1: 15 of 1,614,220 alleles (0.00093%); highest among the groups gnomAD compares: Non-Finnish European, 0.0013%; no homozygotes.

Submission:

Labcorp Genetics (formerly Invitae), Labcorp
Classification: Uncertain significance for Combined immunodeficiency due to DOCK8 deficiency. Last evaluated: 2024-07-02. Review status: criteria provided, single submitter. Criteria: Invitae Variant Classification Sherloc (09022015). Collection method: clinical testing. Allele origin: germline.
Comment: This sequence change replaces leucine, which is neutral and non-polar, with phenylalanine, which is neutral and non-polar, at codon 201 of the DOCK8 protein (p.Leu201Phe). This variant is not present in population databases (gnomAD no frequency). This variant has not been reported in the literature in individuals affected with DOCK8-related conditions. Advanced modeling of protein sequence and biophysical properties (such as structural, functional, and spatial information, amino acid conservation, physicochemical variation, residue mobility, and thermodynamic stability) performed at Invitae indicates that this missense variant is expected to disrupt DOCK8 protein function with a positive predictive value of 80%. In summary, the available evidence is currently insufficient to determine the role of this variant in disease. Therefore, it has been classified as a Variant of Uncertain Significance.

NM_203447.4(DOCK8):c.601C>T (p.Leu201Phe)

Gene: DOCK8 (dedicator of cytokinesis 8; plus strand). Cytogenetic location: 9p24.3.
Variant type: single nucleotide variant.
Coding change: c.601C>T on transcript NM_203447.4 (MANE Select); coding-DNA position 601, C replaced by T.
Protein change: p.Leu201Phe; replaces leucine 201 with phenylalanine.
Molecular consequence: missense variant.
Genome position (GRCh38, 1-based): chr9:312,026, C>T. VCF-style: chr9-312026-C-T. GRCh37 (hg19) VCF-style: chr9-312026-C-T.
Other names: c.397C>T, p.Leu133Phe (NM_001190458.2, NM_001193536.2); short protein forms L133F, L201F.
Identifiers: ClinVar variation 3714124 (VCV003714124.2).
Genomic context (GRCh38, chr9:312,026, plus strand): 5'-CACTTAAACGTGCTGTGCGACGTGTCTGGGAAAGGCCCCGTCACTGCCTGTGACTTTGAC[C>T]TCCGCAGCCTGCAGCCTGACAAGCGGCTAGAAAACCTCCTGCAGCAAGTGAGTGCCGAGG-3'
Protein context (NP_982272.2, residues 191-211): KGPVTACDFD[Leu201Phe]RSLQPDKRLE